The following is an entry in ClinVar:

NM_001378457.1(DMXL2):c.6377G>A (p.Arg2126His)

Gene: DMXL2 (Dmx like 2; minus strand). Cytogenetic location: 15q21.2.
Variant type: single nucleotide variant.
Coding change: c.6377G>A on transcript NM_001378457.1 (MANE Select); coding-DNA position 6377, G replaced by A.
Protein change: p.Arg2126His; replaces arginine 2126 with histidine.
Molecular consequence: missense variant. On other transcripts: non-coding transcript variant (2).
Genome position (GRCh38, 1-based): chr15:51,480,729, C>T on the plus strand (G>A on the coding strand, the complement: DMXL2 is on the minus strand). VCF-style: chr15-51480729-C-T. GRCh37 (hg19) VCF-style: chr15-51772926-C-T.
Other names: c.6377G>A, p.Arg2126His (NM_001174116.3, NM_001378458.1, NM_001378459.1 and 4 more transcripts); c.4469G>A, p.Arg1490His (NM_001174117.3); c.4358G>A, p.Arg1453His (NM_001378460.1); c.6137G>A, p.Arg2046His (NM_001378464.1); c.6377G>A (NM_001174116.1); short protein forms R1453H, R2046H, R2126H, R1490H.
Identifiers: ClinVar variation 1902757 (VCV001902757.4), dbSNP rs781633691, ClinGen allele CA7561647.
Genomic context (GRCh38, chr15:51,480,729, plus strand): 5'-GACTTTCGTCTTTCTGCATGCTCTCGTTTGGCCTGCAATCTTCTTCTTTCTATTTGATGG[C>T]GCTCATAGGAACCAATATCTGGTTTGTCTACCATTTCTTCCTGATCCAGCAGATCACTCT-3'
Protein context (NP_001365386.1, residues 2116-2136): VDKPDIGSYE[Arg2126His]HQIERRRLQA

ClinVar aggregate classification (germline): Uncertain significance. Review status: criteria provided, multiple submitters, no conflicts (2 of 4 stars). 2 submissions from 2 submitters: Uncertain significance (2). Last evaluated 2026-05-21.

Allele frequency attached by ClinVar (database versions not stated): ExAC 0.00002; gnomAD 0.00003; TOPMed 0.00002; gnomAD exomes 0.00005.
gnomAD v4.1: 74 of 1,603,014 alleles (0.0046%); highest among the groups gnomAD compares: Non-Finnish European, 0.0059%; no homozygotes.

Submissions (2):

GeneDx
Classification: Uncertain significance. Last evaluated: 2026-05-21. Review status: criteria provided, single submitter. Criteria: GeneDx Variant Classification Process June 2021. Collection method: clinical testing. Allele origin: germline.
Comment: In silico analysis suggests that this missense variant does not alter protein structure/function; Has not been previously published as pathogenic or benign to our knowledge

Labcorp Genetics (formerly Invitae), Labcorp
Classification: Uncertain significance. Last evaluated: 2022-09-27. Review status: criteria provided, single submitter. Criteria: Invitae Variant Classification Sherloc (09022015). Collection method: clinical testing. Allele origin: germline.
Comment: This sequence change replaces arginine, which is basic and polar, with histidine, which is basic and polar, at codon 2126 of the DMXL2 protein (p.Arg2126His). This variant is present in population databases (rs781633691, gnomAD 0.01%). This variant has not been reported in the literature in individuals affected with DMXL2-related conditions. Algorithms developed to predict the effect of missense changes on protein structure and function are either unavailable or do not agree on the potential impact of this missense change (SIFT: "Deleterious"; PolyPhen-2: "Probably Damaging"; Align-GVGD: "Class C0"). In summary, the available evidence is currently insufficient to determine the role of this variant in disease. Therefore, it has been classified as a Variant of Uncertain Significance.